The following is an entry in ClinVar:

NM_001323289.2(CDKL5):c.464G>A (p.Gly155Asp)

Gene: CDKL5 (cyclin dependent kinase like 5; plus strand). Cytogenetic location: Xp22.13.
Variant type: single nucleotide variant.
Coding change: c.464G>A on transcript NM_001323289.2 (MANE Select); coding-DNA position 464, G replaced by A.
Protein change: p.Gly155Asp; replaces glycine 155 with aspartic acid.
Molecular consequence: missense variant.
Genome position (GRCh38, 1-based): chrX:18,584,263, G>A. VCF-style: chrX-18584263-G-A. GRCh37 (hg19) VCF-style: chrX-18602383-G-A.
Other names: NM_003159.3:c.464G>A; c.464G>A, p.Gly155Asp (NM_001037343.2, NM_003159.3); short protein forms G155D.
Identifiers: ClinVar variation 3602043 (VCV003602043.1).

ClinVar aggregate classification (germline): Likely pathogenic (1 of 4 stars; one submission).

Conditions:
CDKL5 disorder. Identifiers: MedGen CN296942, MONDO:0100039.

Submission:

Centre for Population Genomics, CPG
Classification: Likely pathogenic for CDKL5 disorder. Last evaluated: 2024-12-23. Review status: criteria provided, single submitter. Criteria: McKnight et al. (Hum Mutat. 2022). Collection method: curation. Allele origin: germline. Inheritance: X-linked inheritance.
Comment: This variant has been collected from RettBASE and curated to current modified ACMG/AMP criteria. Based on the classification scheme defined by the ClinGen Rett/Angelman-like Expert Panel for Rett/AS-like Disorders Specifications to the ACMG/AMP Variant Interpretation Guidelines VCEP 3.0, this variant is classified as likely pathogenic. At least the following criteria are met: This variant has been identified as a de novo occurrence in at least 2 individuals with CDKL5 disorder, without confirmation of paternity and maternity (PM6_Strong, PMID: 31031587, PMID: 37193389). Computational prediction analysis tools suggests a deleterious impact (REVEL score>= 0.75) (PP3). This variant is absent from gnomAD (PM2_Supporting).